The following is an entry in ClinVar:

NM_021629.4(GNB4):c.232A>C (p.Lys78Gln)

Gene: GNB4 (G protein subunit beta 4; minus strand). Cytogenetic location: 3q26.33.
Variant type: single nucleotide variant.
Coding change: c.232A>C on transcript NM_021629.4 (MANE Select); coding-DNA position 232, A replaced by C.
Protein change: p.Lys78Gln; replaces lysine 78 with glutamine.
Molecular consequence: missense variant.
Genome position (GRCh38, 1-based): chr3:179,416,528, T>G on the plus strand (A>C on the coding strand, the complement: GNB4 is on the minus strand). VCF-style: chr3-179416528-T-G. GRCh37 (hg19) VCF-style: chr3-179134316-T-G.
Other names: short protein forms K78Q.
Identifiers: ClinVar variation 3068610 (VCV003068610.1), dbSNP rs2473908463, ClinGen allele CA355470446.
Genomic context (GRCh38, chr3:179,416,528, plus strand): 5'-TAAAAGAATTATGAAGAAATTCTACCTTATTTGTTGTATAGCTATCCCAAATAATTAATT[T>G]TCCATCTTGAGAAGCACTGACTAGCAGCCTAGAGGAACAAACACAAAAATAATTTGACAC-3'
Protein context (NP_067642.1, residues 68-88): RLLVSASQDG[Lys78Gln]LIIWDSYTTN

ClinVar aggregate classification (germline): Uncertain significance (1 of 4 stars; one submission).

Conditions:
Charcot-Marie-Tooth disease. Also called: Charcot-Marie-Tooth Neuropathy; Charcot-Marie-Tooth Hereditary Neuropathy. Identifiers: Orphanet 166, MedGen C0007959, MONDO:0015626.

Submission:

Molecular Genetics, Royal Melbourne Hospital
Classification: Uncertain significance for Charcot-Marie-Tooth disease. Last evaluated: 2022-10-06. Review status: criteria provided, single submitter. Criteria: ACMG Guidelines, 2015. Collection method: clinical testing. Allele origin: germline. Affected: yes.
Comment: This sequence change in GNB4 is predicted to replace lysine with glutamine at codon 78, p.(Lys78Gln). The lysine residue is highly conserved (100 vertebrates, UCSC), and is located in the WD repeat 1 domain. There is a small physicochemical difference between lysine and glutamine. This variant is absent from the population database gnomAD v2.1 and v3.1. To our knowledge, this variant has not been reported in the relevant scientific literature. Multiple lines of computational evidence have conflicting predictions for the missense substitution (4/6 algorithms predict deleterious). Based on the classification scheme RMH Modified ACMG Guidelines v1.5.1, this variant is classified as a VARIANT OF UNCERTAIN SIGNIFICANCE. Following criteria are met: PM2_Supporting.